The following is an entry in ClinVar:

NM_001035.3(RYR2):c.4684-1G>A

Gene: RYR2 (ryanodine receptor 2; plus strand). Cytogenetic location: 1q43.
Variant type: single nucleotide variant.
Coding change: c.4684-1G>A on transcript NM_001035.3 (MANE Select); the canonical splice acceptor site of the intron before coding-DNA position 4684, G replaced by A.
Molecular consequence: splice acceptor variant.
Genome position (GRCh38, 1-based): chr1:237,610,761, G>A. VCF-style: chr1-237610761-G-A. GRCh37 (hg19) VCF-style: chr1-237774061-G-A.
Identifiers: ClinVar variation 3070389 (VCV003070389.2), dbSNP rs2546765505, ClinGen allele CA345402148.

ClinVar aggregate classification (germline): Uncertain significance. Review status: criteria provided, multiple submitters, no conflicts (2 of 4 stars). 2 submissions from 2 submitters: Uncertain significance (2). Last evaluated 2025-07-01.

Conditions:
Cardiomyopathy (CMYO). Also called: Cardiomyopathies. Identifiers: Orphanet 167848, MedGen C0878544, MONDO:0004994, HP:0001638. Inheritance: Various modes of inheritance.
Catecholaminergic polymorphic ventricular tachycardia (CVPT). Also called: Catecholamine-induced polymorphic ventricular tachycardia. Identifiers: Orphanet 3286, MedGen C5574922, MONDO:0017990.

Submissions (2):

Color Diagnostics, LLC DBA Color Health
Classification: Uncertain significance for Cardiomyopathy. Last evaluated: 2025-07-01. Review status: criteria provided, single submitter. Criteria: ACMG Guidelines, 2015. Collection method: clinical testing. Allele origin: germline.
Comment: This variant causes a G to A nucleotide substitution at the -1 position of intron 35 of the RYR2 gene. Splice site prediction tools suggest that this variant may have a significant impact on RNA splicing. Although this prediction has not been confirmed in published RNA studies, this variant is expected to result in an absent or disrupted protein product. This variant has not been reported in individuals affected with RYR2-related disorders in the literature. This variant has not been identified in the general population by the Genome Aggregation Database (gnomAD). Clinical relevance of loss-of-function RYR2 truncation and splice variants in autosomal dominant cardiovascular disorders is not clearly established. The available evidence is insufficient to determine the role of this variant in disease conclusively. Therefore, this variant is classified as a Variant of Uncertain Significance.

All of Us Research Program, National Institutes of Health
Classification: Uncertain significance for Catecholaminergic polymorphic ventricular tachycardia. Last evaluated: 2023-04-10. Review status: criteria provided, single submitter. Criteria: ACMG Guidelines, 2015. Collection method: clinical testing. Allele origin: germline. Inheritance: Autosomal dominant inheritance. Observed: 1 variant allele, 1 heterozygote.
Comment: This variant causes a G to A nucleotide substitution at the -1 position of intron 35 of the RYR2 gene. Splice site prediction tools suggest that this variant may have a significant impact on RNA splicing. Although this prediction has not been confirmed in published RNA studies, this variant is expected to result in an absent or disrupted protein product. This variant has not been reported in individuals affected with RYR2-related disorders in the literature. This variant has not been identified in the general population by the Genome Aggregation Database (gnomAD). Clinical relevance of loss-of-function RYR2 truncation and splice variants in autosomal dominant cardiovascular disorders is not clearly established. The available evidence is insufficient to determine the role of this variant in disease conclusively. Therefore, this variant is classified as a Variant of Uncertain Significance.

This study involves interpretation of variants in research participants for the purpose of population health screening. Participant phenotype was not available at the time of variant classification. Additional details can be found in publication PMID: 35346344, PMCID: PMC8962531